The following is an entry in ClinVar:

ClinVar aggregate classification (germline): Uncertain significance (1 of 4 stars; one submission).

Conditions:
Cystic fibrosis (CF). Also called: MUCOVISCIDOSIS. Identifiers: Orphanet 586, MedGen C0010674, MONDO:0009061, OMIM 219700. Disease mechanism: loss of function.

Allele frequency attached by ClinVar (database versions not stated): gnomAD exomes 0.00001.

Submission:

Ambry Genetics
Classification: Uncertain significance for Cystic fibrosis. Last evaluated: 2022-02-28. Review status: criteria provided, single submitter. Criteria: Ambry Variant Classification Scheme 2023. Collection method: clinical testing. Allele origin: germline.
Comment: The c.3964-18delT intronic variant, located in intron 24 of the CFTR gene, results from a deletion of one nucleotide within intron 24 of the CFTR gene. This nucleotide position is well conserved in available vertebrate species. In silico splice site analysis predicts that this alteration will not have any significant effect on splicing. Since supporting evidence is limited at this time, the clinical significance of this alteration remains unclear.

NM_000492.4(CFTR):c.3964-18del

Gene: CFTR (CF transmembrane conductance regulator; plus strand). Cytogenetic location: 7q31.2.
Variant type: Deletion.
Coding change: c.3964-18del on transcript NM_000492.4 (MANE Select); 18 bases into the intron before coding-DNA position 3964, one base deleted (T; older notation c.3964-18delT).
Molecular consequence: intron variant.
Genome position (GRCh38, 1-based): chr7:117,664,670, T deleted. VCF-style (leftmost placement, unchanged base first): chr7-117664669-CT-C. GRCh37 (hg19) VCF-style: chr7-117304723-CT-C.
Identifiers: ClinVar variation 1736541 (VCV001736541.2), dbSNP rs2485181552, ClinGen allele CA2579000415.